The following is an entry in ClinVar:

NM_206933.4(USH2A):c.6958-5C>T

Gene: USH2A (usherin; minus strand). Cytogenetic location: 1q41.
Variant type: single nucleotide variant.
Coding change: c.6958-5C>T on transcript NM_206933.4 (MANE Select); 5 bases into the intron before coding-DNA position 6958, C replaced by T.
Molecular consequence: intron variant.
Genome position (GRCh38, 1-based): chr1:215,965,484, G>A on the plus strand (C>T on the coding strand, the complement: USH2A is on the minus strand). VCF-style: chr1-215965484-G-A. GRCh37 (hg19) VCF-style: chr1-216138826-G-A.
Identifiers: ClinVar variation 48573 (VCV000048573.18), dbSNP rs147914083, ClinGen allele CA143580.

ClinVar aggregate classification (germline): Benign/Likely benign. Review status: criteria provided, multiple submitters, no conflicts (2 of 4 stars). 6 submissions from 5 submitters: Benign (1); Likely benign (5). Last evaluated 2025-11-10.

Conditions:
USH2A-related disorder. Also called: USH2A-related disorders; USH2A-related condition. Identifiers: MedGen CN239332.
Retinitis pigmentosa 39 (RP39). Identifiers: Orphanet 791, MedGen C3151138, MONDO:0013436, OMIM 613809.
Usher syndrome type 2A. Also called: RETINAL DISEASE IN USHER SYNDROME TYPE IIA, MODIFIER OF; USHER SYNDROME, TYPE IIA. Identifiers: Orphanet 231178, Orphanet 886, MedGen C1848634, MONDO:0010169, OMIM 276901.

Allele frequency attached by ClinVar (database versions not stated): gnomAD exomes 0.00009 and 0.00029; gnomAD 0.00010 and 0.00016; TOPMed 0.00019; ExAC 0.00036; 1000 Genomes Project 30x 0.00141; 1000 Genomes Project 0.00160.
gnomAD v4.1: 159 of 1,613,408 alleles (0.0099%); highest among the groups gnomAD compares: East Asian, 0.34%; 1 homozygote.

Submissions (6):

Labcorp Genetics (formerly Invitae), Labcorp
Classification: Benign. Last evaluated: 2025-11-10. Review status: criteria provided, single submitter. Criteria: Invitae Variant Classification Sherloc (09022015). Collection method: clinical testing. Allele origin: germline.

PreventionGenetics, part of Exact Sciences
Classification: Likely benign for USH2A-related condition. Last evaluated: 2024-12-13. Review status: criteria provided, single submitter. Criteria: ACMG Guidelines, 2015. Collection method: clinical testing. Allele origin: germline.
Comment: This variant is classified as likely benign based on ACMG/AMP sequence variant interpretation guidelines (Richards et al. 2015 PMID: 25741868, with internal and published modifications).

Genome-Nilou Lab
Classification: Likely benign for Retinitis pigmentosa 39. Last evaluated: 2023-04-11. Review status: criteria provided, single submitter. Criteria: ACMG Guidelines, 2015. Collection method: clinical testing. Allele origin: germline. Affected: no.

Genome-Nilou Lab
Classification: Likely benign for Usher syndrome type 2A. Last evaluated: 2023-04-11. Review status: criteria provided, single submitter. Criteria: ACMG Guidelines, 2015. Collection method: clinical testing. Allele origin: germline. Affected: no.

Blueprint Genetics
Classification: Likely benign. Last evaluated: 2022-04-07. Review status: criteria provided, single submitter. Criteria: ACMG Guidelines, 2015. Collection method: clinical testing. Allele origin: germline.

Laboratory for Molecular Medicine, Mass General Brigham Personalized Medicine
Classification: Likely benign. Last evaluated: 2013-01-30. Review status: criteria provided, single submitter. Criteria: LMM Criteria. Collection method: clinical testing. Allele origin: germline. Observed: 1 variant allele.
Comment: 6958-5C>T in intron 36 of USH2A: This variant is not expected to have clinical s ignificance because it has been identified in 1.3% (5/394) of Chinese chromosome s by the 1000 Genomes Project (1000Genomes; dbSNP rs147914083).